The following is an entry in ClinVar:

ClinVar aggregate classification (germline): Pathogenic. Review status: criteria provided, multiple submitters, no conflicts (2 of 4 stars). 7 submissions from 6 submitters: Pathogenic (7). Last evaluated 2026-01-29.

Conditions:
PEX7-related disorder. Also called: PEX7-related disorders; PEX7-related condition. Identifiers: MedGen CN239409.
Rhizomelic chondrodysplasia punctata (RCDP). Identifiers: Orphanet 177, MedGen C0282529, MONDO:0015776. Disease mechanism: loss of function.
Retinal disorder. Also called: Retinopathy; Retinopathies; Retinal Diseases; Retinal disorders. Identifiers: MedGen C0035309, MONDO:0005283, HP:0000488.
Peroxisome biogenesis disorder 9B. Also called: PEROXISOME BIOGENESIS DISORDER, PEX7-RELATED, ATYPICAL; PEX7-Related Refsum Disease; Refsum disease, adult, 2. Identifiers: Orphanet 773, MedGen C2749346, MONDO:0013945, OMIM 614879.
Rhizomelic chondrodysplasia punctata type 1 (RCDP1). Also called: PEROXISOME BIOGENESIS DISORDER 9; PEX7-Related Rhizomelic Chondrodysplasia Punctata; CHONDRODYSTROPHIA CALCIFICANS PUNCTATA. Identifiers: Orphanet 177, Orphanet 309789, MedGen C1859133, MONDO:0008972, OMIM 215100. Disease mechanism: loss of function.

Allele frequency attached by ClinVar (database versions not stated): gnomAD 0.00001; TOPMed 0.00001; gnomAD exomes 0.00012.
gnomAD v4.1: 19 of 1,313,850 alleles (0.0014%); highest among the groups gnomAD compares: Non-Finnish European, 0.0018%; no homozygotes.

Submissions (7):

Genetics Laboratory, Great Ormond Street Hospital NHS Foundation Trust, North Thames Genomic Laboratory Hub
Classification: Pathogenic for Retinal disorders. Last evaluated: 2026-01-29. Review status: criteria provided, single submitter. Criteria: ACGS Best Practice Guidelines for Variant Classification in Rare Disease 2024 v1.2. Collection method: clinical testing. Allele origin: germline. Affected: yes.
Comment: PM2_moderate, PVS1_very-strong, PM3_moderate

Natera, Inc.
Classification: Pathogenic for Rhizomelic Chondrodysplasia Punctata. Last evaluated: 2025-06-20. Review status: criteria provided, single submitter. Criteria: Natera Variant Classification Schema (03/2026). Collection method: clinical testing. Allele origin: germline.
Comment: The c.130+1G>A variant in PEX7 is a canonical splice donor site variant predicted to affect pre-mRNA splicing, which may result in an abnormal transcript and altered protein product. This variant is expected to result in nonsense mediated decay, truncation, or a dysfunctional protein product. This variant is rare in the general population with a frequency below the threshold expected for the associated phenotype(s). This variant has been observed in one or more individuals affected with the associated recessive disease, as either homozygous or compound heterozygous with a second variant (PMID: 33337545, 12325024). Given the available evidence, this variant is classified as Pathogenic.

Labcorp Genetics (formerly Invitae), Labcorp
Classification: Pathogenic for Peroxisome biogenesis disorder 9B. Last evaluated: 2025-03-19. Review status: criteria provided, single submitter. Criteria: Invitae Variant Classification Sherloc (09022015). Collection method: clinical testing. Allele origin: germline.
Comment: This sequence change affects a donor splice site in intron 1 of the PEX7 gene. It is expected to disrupt RNA splicing. Variants that disrupt the donor or acceptor splice site typically lead to a loss of protein function (PMID: 16199547), and loss-of-function variants in PEX7 are known to be pathogenic (PMID: 12325024, 12522768, 20301447). The frequency data for this variant in the population databases is considered unreliable, as metrics indicate poor data quality at this position in the gnomAD database. Disruption of this splice site has been observed in individuals with rhizomelic chondrodysplasia punctata (PMID: 12325024). This variant is also known as IVS1+1G>A. ClinVar contains an entry for this variant (Variation ID: 639671). Algorithms developed to predict the effect of sequence changes on RNA splicing suggest that this variant may disrupt the consensus splice site. For these reasons, this variant has been classified as Pathogenic.

Blueprint Genetics
Classification: Pathogenic for PEX7-related disorders. Last evaluated: 2024-04-17. Review status: criteria provided, single submitter. Criteria: ACMG Guidelines, 2015. Collection method: clinical testing. Allele origin: germline. Affected: yes. Observed: 2 variant alleles.

3billion
Classification: Pathogenic for Rhizomelic chondrodysplasia punctata type 1. Last evaluated: 2024-02-15. Review status: criteria provided, single submitter. Criteria: ACMG Guidelines, 2015. Collection method: clinical testing. Allele origin: germline. Affected: yes.
Comment: The variant is observed at an extremely low frequency in the gnomAD v2.1.1 dataset (total allele frequency: 0.012%). Predicted Consequence/Location: Canonical splice site: predicted to alter splicing and result in a loss or disruption of normal protein function. Multiple pathogenic loss-of-function variants are reported downstream of the variant. The variant has been reported at least twice as pathogenic with clinical assertions and evidence for the classification (ClinVar ID: VCV000639671 /PMID: 12325024). Therefore, this variant is classified as Pathogenic according to the recommendation of ACMG/AMP guideline.

Baylor Genetics
Classification: Pathogenic for Peroxisome biogenesis disorder 9B. Last evaluated: 2023-06-30. Review status: criteria provided, single submitter. Criteria: ACMG Guidelines, 2015. Collection method: clinical testing. Allele origin: unknown.

Baylor Genetics
Classification: Pathogenic for Rhizomelic chondrodysplasia punctata type 1. Review status: criteria provided, single submitter. Criteria: ACMG Guidelines, 2015. Collection method: clinical testing. Allele origin: germline.

Literature cited by the submitters: PubMed 33337545 (cited by Natera, Inc.); PubMed 12325024 (cited by 3 submitters); PubMed 16199547 (cited by Labcorp Genetics (formerly Invitae), Labcorp); PubMed 12522768 (cited by Labcorp Genetics (formerly Invitae), Labcorp); PubMed 20301447 (cited by Labcorp Genetics (formerly Invitae), Labcorp).

NM_000288.4(PEX7):c.130+1G>A

Gene: PEX7 (peroxisomal biogenesis factor 7; plus strand). Cytogenetic location: 6q23.3.
Variant type: single nucleotide variant.
Coding change: c.130+1G>A on transcript NM_000288.4 (MANE Select); the canonical splice donor site of the intron after coding-DNA position 130, G replaced by A.
Molecular consequence: splice donor variant.
Genome position (GRCh38, 1-based): chr6:136,822,796, G>A. VCF-style: chr6-136822796-G-A. GRCh37 (hg19) VCF-style: chr6-137143934-G-A.
Identifiers: ClinVar variation 639671 (VCV000639671.17), dbSNP rs267608253, ClinGen allele CA148640691.